The following is an entry in ClinVar:

ClinVar aggregate classification (germline): Uncertain significance. Review status: criteria provided, multiple submitters, no conflicts (2 of 4 stars). 2 submissions from 2 submitters: Uncertain significance (2). Last evaluated 2025-02-06.

Conditions:
Inborn genetic diseases. Identifiers: MedGen C0950123, MeSH D030342.

gnomAD v4.1: 127 of 1,613,722 alleles (0.0079%); highest among the groups gnomAD compares: Non-Finnish European, 0.01%; no homozygotes.

Submissions (2):

Ambry Genetics
Classification: Uncertain significance for Inborn genetic diseases. Last evaluated: 2025-02-06. Review status: criteria provided, single submitter. Criteria: Ambry Variant Classification Scheme 2023. Collection method: clinical testing. Allele origin: germline.

GeneDx
Classification: Uncertain significance. Last evaluated: 2024-07-31. Review status: criteria provided, single submitter. Criteria: GeneDx Variant Classification Process June 2021. Collection method: clinical testing. Allele origin: germline. Affected: yes.
Comment: In silico analysis supports that this missense variant has a deleterious effect on protein structure/function; Has not been previously published as pathogenic or benign to our knowledge

NM_001277062.2(MFF):c.382C>T (p.Arg128Trp)

Gene: MFF (mitochondrial fission factor; plus strand). Cytogenetic location: 2q36.3.
Variant type: single nucleotide variant.
Coding change: c.382C>T on transcript NM_001277062.2 (MANE Select); coding-DNA position 382, C replaced by T.
Protein change: p.Arg128Trp; replaces arginine 128 with tryptophan.
Molecular consequence: missense variant. On other transcripts: non-coding transcript variant (1).
Genome position (GRCh38, 1-based): chr2:227,340,322, C>T. VCF-style: chr2-227340322-C-T. GRCh37 (hg19) VCF-style: chr2-228205038-C-T.
Other names: c.460C>T, p.Arg154Trp (NM_001277061.2, NM_020194.5); c.382C>T, p.Arg128Trp (NM_001277063.2, NM_001277064.2, NM_001277065.2 and 2 more transcripts); c.232C>T, p.Arg78Trp (NM_001277067.1); c.460C>T (NM_020194.4); short protein forms R128W, R154W, R78W.
Identifiers: ClinVar variation 3602219 (VCV003602219.2).